The following is an entry in ClinVar:

ClinVar aggregate classification (germline): Uncertain significance (1 of 4 stars; one submission).

Submission:

Labcorp Genetics (formerly Invitae), Labcorp
Classification: Uncertain significance. Last evaluated: 2023-07-07. Review status: criteria provided, single submitter. Criteria: Invitae Variant Classification Sherloc (09022015). Collection method: clinical testing. Allele origin: germline.
Comment: In summary, the available evidence is currently insufficient to determine the role of this variant in disease. Therefore, it has been classified as a Variant of Uncertain Significance. ClinVar contains an entry for this variant (Variation ID: 1416312). This variant has not been reported in the literature in individuals affected with KPNA7-related conditions. This variant is present in population databases (no rsID available, gnomAD 0.004%). This sequence change creates a premature translational stop signal (p.Leu106Serfs*6) in the KPNA7 gene. It is expected to result in an absent or disrupted protein product. However, the current clinical and genetic evidence is not sufficient to establish whether loss-of-function variants in KPNA7 cause disease.

NM_001145715.3(KPNA7):c.314dup (p.Leu106fs)

Gene: KPNA7 (karyopherin subunit alpha 7; minus strand). Cytogenetic location: 7q22.1.
Variant type: Duplication.
Coding change: c.314dup on transcript NM_001145715.3 (MANE Select); coding-DNA position 314, one base duplicated (C; older notation c.314dupC).
Protein change: p.Leu106fs; shifts the reading frame from leucine 106.
Molecular consequence: frameshift variant.
Genome position (GRCh38, 1-based): chr7:99,195,309, G duplicated on the plus strand (C on the coding strand, the reverse complement: KPNA7 is on the minus strand); the first of 6 consecutive G bases (chr7:99,195,309-99,195,314); duplicating any one gives the same sequence. VCF-style (leftmost placement, unchanged base first): chr7-99195308-A-AG. GRCh37 (hg19) VCF-style: chr7-98792931-A-AG.
Other names: short protein forms L106fs.
Identifiers: ClinVar variation 1416312 (VCV001416312.6), dbSNP rs752262230, ClinGen allele CA576719990.
Genomic context (GRCh38, chr7:99,195,308, plus strand): 5'-TGATGACTTCAGGAACTCCACCATCCTGGGAATGAGGCCCGCTTCAATGACCAGTTTCAG[A>AG]GGGGGGTTCTTTTCCTGGGATAGCATTTTCCTATGCAATGAAAGAGAGGGCAGGGGAGGG-3'